The following is an entry in ClinVar:

ClinVar aggregate classification (germline): Uncertain significance (1 of 4 stars; one submission).

Conditions:
Hypoplastic left heart syndrome. Also called: Hypoplastic left heart; Hypoplastic left ventricle. Identifiers: Orphanet 2248, MedGen C0152101, MONDO:0004933, HP:0004383.

Allele frequency attached by ClinVar (database versions not stated): TOPMed below 0.00001.

Submission:

Labcorp Genetics (formerly Invitae), Labcorp
Classification: Uncertain significance for Hypoplastic left heart syndrome. Last evaluated: 2022-09-18. Review status: criteria provided, single submitter. Criteria: Invitae Variant Classification Sherloc (09022015). Collection method: clinical testing. Allele origin: germline.
Comment: This variant has not been reported in the literature in individuals affected with HAND1-related conditions. This variant is not present in population databases (gnomAD no frequency). This sequence change replaces arginine, which is basic and polar, with glycine, which is neutral and non-polar, at codon 84 of the HAND1 protein (p.Arg84Gly). Algorithms developed to predict the effect of missense changes on protein structure and function are either unavailable or do not agree on the potential impact of this missense change (SIFT: "Tolerated"; PolyPhen-2: "Benign"; Align-GVGD: "Class C25"). In summary, the available evidence is currently insufficient to determine the role of this variant in disease. Therefore, it has been classified as a Variant of Uncertain Significance.

NM_004821.3(HAND1):c.250C>G (p.Arg84Gly)

Gene: HAND1 (heart and neural crest derivatives expressed 1; minus strand). Cytogenetic location: 5q33.2.
Variant type: single nucleotide variant.
Coding change: c.250C>G on transcript NM_004821.3 (MANE Select); coding-DNA position 250, C replaced by G.
Protein change: p.Arg84Gly; replaces arginine 84 with glycine.
Molecular consequence: missense variant.
Genome position (GRCh38, 1-based): chr5:154,477,759, G>C on the plus strand (C>G on the coding strand, the complement: HAND1 is on the minus strand). VCF-style: chr5-154477759-G-C. GRCh37 (hg19) VCF-style: chr5-153857319-G-C.
Other names: short protein forms R84G.
Identifiers: ClinVar variation 2048857 (VCV002048857.4), dbSNP rs1167066563, ClinGen allele CA361922990.